The following is an entry in ClinVar:

ClinVar aggregate classification (germline): Uncertain significance (1 of 4 stars; one submission).

gnomAD v4.1: 19 of 1,613,738 alleles (0.0012%); highest among the groups gnomAD compares: Non-Finnish European, 0.0016%; no homozygotes.

Submission:

Labcorp Genetics (formerly Invitae), Labcorp
Classification: Uncertain significance. Last evaluated: 2026-01-12. Review status: criteria provided, single submitter. Criteria: Invitae Variant Classification Sherloc (09022015). Collection method: clinical testing. Allele origin: germline.
Comment: This sequence change replaces arginine, which is basic and polar, with glutamine, which is neutral and polar, at codon 493 of the ACTN1 protein (p.Arg493Gln). This variant is present in population databases (rs777367024, gnomAD 0.005%). This variant has not been reported in the literature in individuals affected with ACTN1-related conditions. Invitae Evidence Modeling of protein sequence and biophysical properties (such as structural, functional, and spatial information, amino acid conservation, physicochemical variation, residue mobility, and thermodynamic stability) indicates that this missense variant is expected to disrupt ACTN1 protein function with a positive predictive value of 80%. In summary, the available evidence is currently insufficient to determine the role of this variant in disease. Therefore, it has been classified as a Variant of Uncertain Significance.

NM_001130004.2(ACTN1):c.1478G>A (p.Arg493Gln)

Gene: ACTN1 (actinin alpha 1; minus strand). Cytogenetic location: 14q24.1.
Variant type: single nucleotide variant.
Coding change: c.1478G>A on transcript NM_001130004.2 (MANE Select); coding-DNA position 1478, G replaced by A.
Protein change: p.Arg493Gln; replaces arginine 493 with glutamine.
Molecular consequence: missense variant.
Genome position (GRCh38, 1-based): chr14:68,884,791, C>T on the plus strand (G>A on the coding strand, the complement: ACTN1 is on the minus strand). VCF-style: chr14-68884791-C-T. GRCh37 (hg19) VCF-style: chr14-69351508-C-T.
Other names: c.653G>A, p.Arg218Gln (NM_001424030.1); c.1478G>A, p.Arg493Gln (NM_001102.4, NM_001130005.2, NM_001424012.1 and 7 more transcripts); c.1502G>A, p.Arg501Gln (NM_001411035.1, NM_001424016.1); c.1283G>A, p.Arg428Gln (NM_001411036.1, NM_001424026.1, NM_001424028.1); c.1604G>A, p.Arg535Gln (NM_001424013.1); c.1565G>A, p.Arg522Gln (NM_001424015.1); c.1475G>A, p.Arg492Gln (NM_001424017.1); c.1439G>A, p.Arg480Gln (NM_001424018.1); and 2 more; short protein forms R218Q, R428Q, R470Q, R492Q, R501Q, R472Q, R493Q, R522Q.
Identifiers: ClinVar variation 4763491 (VCV004763491.1).